The following is an entry in ClinVar:

NM_002529.4(NTRK1):c.190G>T (p.Gly64Cys)

Gene: NTRK1 (neurotrophic receptor tyrosine kinase 1; plus strand). Cytogenetic location: 1q23.1.
Variant type: single nucleotide variant.
Coding change: c.190G>T on transcript NM_002529.4 (MANE Select); coding-DNA position 190, G replaced by T.
Protein change: p.Gly64Cys; replaces glycine 64 with cysteine.
Molecular consequence: missense variant. On other transcripts: intron variant (1).
Genome position (GRCh38, 1-based): chr1:156,861,124, G>T. VCF-style: chr1-156861124-G-T. GRCh37 (hg19) VCF-style: chr1-156830916-G-T.
Other names: c.190G>T, p.Gly64Cys (NM_001007204.1, NM_001012331.2); c.123-3230G>T (NM_001007792.1); short protein forms G64C.
Identifiers: ClinVar variation 2008211 (VCV002008211.4), dbSNP rs753992251, ClinGen allele CA342930105.
Genomic context (GRCh38, chr1:156,861,124, plus strand): 5'-GGCTCCTCGGGACTGCGATGCACCCGGGATGGGGCCCTGGATAGCCTCCACCACCTGCCC[G>T]GCGCAGAGAACCTGACTGAGCTGTGAGTGTCCGGCGGGCGGTGGGGGGGCGCGGGGACAG-3'
Protein context (NP_002520.2, residues 54-74): GALDSLHHLP[Gly64Cys]AENLTELYIE

ClinVar aggregate classification (germline): Uncertain significance (1 of 4 stars; one submission).

Conditions:
Hereditary insensitivity to pain with anhidrosis (CIPA). Also called: INSENSITIVITY TO PAIN, CONGENITAL, WITH ANHIDROSIS; hereditary sensory and autonomic neuropathy type 4; NEUROPATHY, CONGENITAL SENSORY, WITH ANHIDROSIS; NTRK1 Congenital Insensitivity to Pain with Anhidrosis; FAMILIAL DYSAUTONOMIA, TYPE II; HSAN Type IV. Identifiers: Orphanet 642, MedGen C0020074, MONDO:0009746, OMIM 256800.

Submission:

Labcorp Genetics (formerly Invitae), Labcorp
Classification: Uncertain significance for Hereditary insensitivity to pain with anhidrosis. Last evaluated: 2022-06-19. Review status: criteria provided, single submitter. Criteria: Invitae Variant Classification Sherloc (09022015). Collection method: clinical testing. Allele origin: germline.
Comment: In summary, the available evidence is currently insufficient to determine the role of this variant in disease. Therefore, it has been classified as a Variant of Uncertain Significance. Advanced modeling of protein sequence and biophysical properties (such as structural, functional, and spatial information, amino acid conservation, physicochemical variation, residue mobility, and thermodynamic stability) performed at Invitae indicates that this missense variant is not expected to disrupt NTRK1 protein function. This variant has not been reported in the literature in individuals affected with NTRK1-related conditions. This variant is not present in population databases (gnomAD no frequency). This sequence change replaces glycine, which is neutral and non-polar, with cysteine, which is neutral and slightly polar, at codon 64 of the NTRK1 protein (p.Gly64Cys).